The following is an entry in ClinVar:

ClinVar aggregate classification (germline): Uncertain significance. Review status: criteria provided, multiple submitters, no conflicts (2 of 4 stars). 3 submissions from 3 submitters: Uncertain significance (3). Last evaluated 2024-04-10.

Conditions:
Fanconi anemia complementation group E (FANCE). Also called: FANCE-Related Fanconi Anemia. Identifiers: Orphanet 84, MedGen C3160739, MONDO:0010953, OMIM 600901.

Allele frequency attached by ClinVar (database versions not stated): ExAC 0.00001; gnomAD exomes 0.00002; TOPMed 0.00002; gnomAD 0.00003.

Submissions (3):

Fulgent Genetics
Classification: Uncertain significance for Fanconi anemia complementation group E. Last evaluated: 2024-04-10. Review status: criteria provided, single submitter. Criteria: ACMG Guidelines, 2015. Collection method: clinical testing. Allele origin: germline.

Labcorp Genetics (formerly Invitae), Labcorp
Classification: Uncertain significance for Fanconi anemia complementation group E. Last evaluated: 2022-02-11. Review status: criteria provided, single submitter. Criteria: Invitae Variant Classification Sherloc (09022015). Collection method: clinical testing. Allele origin: germline.
Comment: This sequence change replaces glycine, which is neutral and non-polar, with valine, which is neutral and non-polar, at codon 439 of the FANCE protein (p.Gly439Val). This variant also falls at the last nucleotide of exon 7, which is part of the consensus splice site for this exon. This variant is present in population databases (rs776298967, gnomAD 0.006%). This variant has not been reported in the literature in individuals affected with FANCE-related conditions. ClinVar contains an entry for this variant (Variation ID: 471920). Algorithms developed to predict the effect of missense changes on protein structure and function are either unavailable or do not agree on the potential impact of this missense change (SIFT: "Tolerated"; PolyPhen-2: "Probably Damaging"; Align-GVGD: "Class C0"). Variants that disrupt the consensus splice site are a relatively common cause of aberrant splicing (PMID: 17576681, 9536098). Algorithms developed to predict the effect of sequence changes on RNA splicing suggest that this variant may disrupt the consensus splice site. In summary, the available evidence is currently insufficient to determine the role of this variant in disease. Therefore, it has been classified as a Variant of Uncertain Significance.

Mendelics
Classification: Uncertain significance for Fanconi anemia complementation group E. Last evaluated: 2019-05-28. Review status: criteria provided, single submitter. Criteria: Mendelics Assertion Criteria 2017. Collection method: clinical testing. Allele origin: unknown.

Literature cited by the submitters: PubMed 17576681 (cited by Labcorp Genetics (formerly Invitae), Labcorp); PubMed 9536098 (cited by Labcorp Genetics (formerly Invitae), Labcorp).

NM_021922.3(FANCE):c.1316G>T (p.Gly439Val)

Gene: FANCE (FA complementation group E; plus strand). Cytogenetic location: 6p21.31.
Variant type: single nucleotide variant.
Coding change: c.1316G>T on transcript NM_021922.3 (MANE Select); coding-DNA position 1316, G replaced by T.
Protein change: p.Gly439Val; replaces glycine 439 with valine.
Molecular consequence: missense variant.
Genome position (GRCh38, 1-based): chr6:35,459,760, G>T. VCF-style: chr6-35459760-G-T. GRCh37 (hg19) VCF-style: chr6-35427537-G-T.
Other names: short protein forms G439V.
Identifiers: ClinVar variation 471920 (VCV000471920.6), dbSNP rs776298967, ClinGen allele CA3771663.